The following is an entry in ClinVar:

NM_001378454.1(ALMS1):c.2756A>C (p.Gln919Pro)

Gene: ALMS1 (ALMS1 centrosome and basal body associated protein; plus strand). Cytogenetic location: 2p13.1.
Variant type: single nucleotide variant.
Coding change: c.2756A>C on transcript NM_001378454.1 (MANE Select); coding-DNA position 2756, A replaced by C.
Protein change: p.Gln919Pro; replaces glutamine 919 with proline.
Molecular consequence: missense variant.
Genome position (GRCh38, 1-based): chr2:73,449,283, A>C. VCF-style: chr2-73449283-A-C. GRCh37 (hg19) VCF-style: chr2-73676410-A-C.
Other names: c.2759A>C, p.Gln920Pro (NM_015120.4); short protein forms Q919P, Q920P.
Identifiers: ClinVar variation 938697 (VCV000938697.10), dbSNP rs751883638, ClinGen allele CA1713411.
Genomic context (GRCh38, chr2:73,449,283, plus strand): 5'-GGATACCCTCAGCACCATCTAGTTTCTACTCACACAGAGAGAAGCCCATTATTTTTTCCC[A>C]GCAGACCCTGCCAGACTTTCTTTTCCCTGAAGAAGCTCTGAAGGTTTCAGCTGTTTCTGT-3'
Protein context (NP_001365383.1, residues 909-929): SHREKPIIFS[Gln919Pro]QTLPDFLFPE

ClinVar aggregate classification (germline): Conflicting classifications of pathogenicity. Review status: criteria provided, conflicting classifications (1 of 4 stars). 3 submissions from 3 submitters: Uncertain significance (1); Likely benign (1). 1 of the submissions does not count toward it. Last evaluated 2025-07-09.

Conditions:
Cardiovascular phenotype. Identifiers: MedGen CN230736.
Alstrom syndrome (ALMS). Identifiers: Orphanet 64, MedGen C0268425, MONDO:0008763, OMIM 203800.

Allele frequency attached by ClinVar (database versions not stated): gnomAD exomes below 0.00001 and 0.00001; ExAC 0.00001.
gnomAD v4.1: 4 of 1,613,976 alleles (0.00025%); highest among the groups gnomAD compares: Non-Finnish European, 0.00034%; no homozygotes.

Submissions (3):

Ambry Genetics
Classification: Likely benign for Cardiovascular phenotype. Last evaluated: 2025-07-09. Review status: criteria provided, single submitter. Criteria: Ambry Variant Classification Scheme 2023. Collection method: clinical testing. Allele origin: germline.

Labcorp Genetics (formerly Invitae), Labcorp
Classification: Uncertain significance for Alstrom syndrome. Last evaluated: 2021-11-22. Review status: criteria provided, single submitter. Criteria: Invitae Variant Classification Sherloc (09022015). Collection method: clinical testing. Allele origin: germline.
Comment: This sequence change replaces glutamine, which is neutral and polar, with proline, which is neutral and non-polar, at codon 920 of the ALMS1 protein (p.Gln920Pro). This variant is present in population databases (rs751883638, gnomAD 0.002%). This variant has not been reported in the literature in individuals affected with ALMS1-related conditions. ClinVar contains an entry for this variant (Variation ID: 938697). In summary, the available evidence is currently insufficient to determine the role of this variant in disease. Therefore, it has been classified as a Variant of Uncertain Significance.

Natera, Inc.
Classification: Uncertain significance for Alstrom syndrome. Last evaluated: 2021-03-29. Review status: no assertion criteria provided. Collection method: clinical testing. Allele origin: germline. Not counted in ClinVar's aggregate classification.